The following is an entry in ClinVar:

NM_001244008.2(KIF1A):c.1892C>T (p.Ala631Val)

Gene: KIF1A (kinesin family member 1A; minus strand). Cytogenetic location: 2q37.3.
Variant type: single nucleotide variant.
Coding change: c.1892C>T on transcript NM_001244008.2 (MANE Select); coding-DNA position 1892, C replaced by T.
Protein change: p.Ala631Val; replaces alanine 631 with valine.
Molecular consequence: missense variant.
Genome position (GRCh38, 1-based): chr2:240,763,223, G>A on the plus strand (C>T on the coding strand, the complement: KIF1A is on the minus strand). VCF-style: chr2-240763223-G-A. GRCh37 (hg19) VCF-style: chr2-241702640-G-A.
Other names: c.1892C>T, p.Ala631Val (NM_001320705.2, NM_001330289.2, NM_001379638.1); c.1967C>T, p.Ala656Val (NM_001330290.2, NM_001379631.1, NM_001379634.1 and 2 more transcripts); c.1865C>T, p.Ala622Val (NM_001379632.1, NM_001379633.1, NM_001379636.1 and 10 more transcripts); c.1940C>T, p.Ala647Val (NM_001379637.1, NM_001379648.1); short protein forms A622V, A631V, A647V, A656V.
Identifiers: ClinVar variation 1378500 (VCV001378500.6), dbSNP rs2125905734, ClinGen allele CA351327050.

ClinVar aggregate classification (germline): Uncertain significance (1 of 4 stars; one submission).

Conditions:
Hereditary spastic paraplegia 30. Identifiers: Orphanet 101010, MedGen C5235139, MONDO:0012476.
Neuropathy, hereditary sensory, type 2C. Also called: Hereditary sensory and autonomic neuropathy type IIC; KIF1A-Related HSAN2 (HSAN2C). Identifiers: Orphanet 970, MedGen C3280168, MONDO:0013634, OMIM 614213.
Intellectual disability, autosomal dominant 9 (NESCAVS). Also called: NESCAV SYNDROME; KIF1A-Related Neurodevelopmental Disorder. Identifiers: Orphanet 662367, MedGen C5393830, MONDO:0013656, OMIM 614255.

Submission:

Labcorp Genetics (formerly Invitae), Labcorp
Classification: Uncertain significance for Hereditary spastic paraplegia 30; Neuropathy, hereditary sensory, type 2C; Intellectual disability, autosomal dominant 9. Last evaluated: 2021-08-29. Review status: criteria provided, single submitter. Criteria: Invitae Variant Classification Sherloc (09022015). Collection method: clinical testing. Allele origin: germline.
Comment: This sequence change replaces alanine with valine at codon 622 of the KIF1A protein (p.Ala622Val). The alanine residue is highly conserved and there is a small physicochemical difference between alanine and valine. This variant is not present in population databases (ExAC no frequency). This variant has not been reported in the literature in individuals affected with KIF1A-related conditions. Advanced modeling of protein sequence and biophysical properties (such as structural, functional, and spatial information, amino acid conservation, physicochemical variation, residue mobility, and thermodynamic stability) performed at Invitae indicates that this missense variant is expected to disrupt KIF1A protein function. In summary, the available evidence is currently insufficient to determine the role of this variant in disease. Therefore, it has been classified as a Variant of Uncertain Significance.